The following is an entry in ClinVar:

NM_000996.4(RPL35A):c.*14C>A

Genes: DRC9 (dynein regulatory complex subunit 9; minus strand), RPL35A (ribosomal protein L35a; plus strand). Cytogenetic location: 3q29.
Variant type: single nucleotide variant.
Coding change: c.*14C>A on transcript NM_000996.4 (MANE Select); 14 bases downstream of the stop codon, C replaced by A.
Molecular consequence: 3 prime UTR variant. On other transcripts: intron variant (3).
Genome position (GRCh38, 1-based): chr3:197,955,787, C>A. VCF-style: chr3-197955787-C-A. GRCh37 (hg19) VCF-style: chr3-197682658-C-A.
Other names: c.*14C>A (NM_001316311.2); c.-50+3742G>T (NM_001323028.2); c.-60+3742G>T (NM_032263.5); c.-375+3742G>T (NM_001323029.2).
Identifiers: ClinVar variation 344531 (VCV000344531.9), dbSNP rs10022, ClinGen allele CA2789254.

ClinVar aggregate classification (germline): Benign/Likely benign. Review status: criteria provided, multiple submitters, no conflicts (2 of 4 stars). 4 submissions from 4 submitters: Benign (2); Likely benign (2). Last evaluated 2024-11-13.

Conditions:
Diamond-Blackfan anemia 5 (DBA5). Also called: RPL35A-Related Diamond-Blackfan Anemia. Identifiers: Orphanet 124, MedGen C2675859, MONDO:0012925, OMIM 612528.
Diamond-Blackfan anemia. Also called: Blackfan Diamond syndrome; Aregenerative anemia chronic congenital; Red cell aplasia, pure hereditary; Congenital hypoplastic anemia; Aase syndrome. Identifiers: Orphanet 124, MedGen C1260899, MeSH D029503, MONDO:0015253, HP:0004810.

Allele frequency attached by ClinVar (database versions not stated): ExAC 0.00102; gnomAD exomes 0.00129; gnomAD 0.00190 and 0.00200; ESP Exome Variant Server 0.00238; TOPMed 0.00239; 1000 Genomes Project 0.00260; 1000 Genomes Project 30x 0.00265.
gnomAD v4.1: 1,305 of 1,594,294 alleles (0.082%); highest among the groups gnomAD compares: African/African-American, 0.53%; 6 homozygotes.

Submissions (4):

Blueprint Genetics
Classification: Likely benign. Last evaluated: 2024-11-13. Review status: criteria provided, single submitter. Criteria: ACMG Guidelines, 2015. Collection method: clinical testing. Allele origin: germline.

Illumina Laboratory Services, Illumina
Classification: Benign for Diamond-Blackfan anemia 5. Last evaluated: 2018-01-12. Review status: criteria provided, single submitter. Criteria: ICSL Variant Classification Criteria 13 December 2019. Collection method: clinical testing. Allele origin: germline.
Comment: This variant was observed in the ICSL laboratory as part of a predisposition screen in an ostensibly healthy population. It had not been previously curated by ICSL or reported in the Human Gene Mutation Database (HGMD: prior to June 1st, 2018), and was therefore a candidate for classification through an automated scoring system. Utilizing variant allele frequency, disease prevalence and penetrance estimates, and inheritance mode, an automated score was calculated to assess if this variant is too frequent to cause the disease. Based on the score and internal cut-off values, a variant classified as benign is not then subjected to further curation. The score for this variant resulted in a classification of benign for this disease.

Ambry Genetics
Classification: Likely benign for Diamond-Blackfan anemia. Last evaluated: 2015-06-01. Review status: criteria provided, single submitter. Criteria: Ambry Variant Classification Scheme 2023. Collection method: clinical testing. Allele origin: germline.

Breakthrough Genomics
Classification: Benign. Review status: criteria provided, single submitter. Criteria: ACMG Guidelines, 2015. Collection method: not provided. Allele origin: germline. Inheritance: Autosomal dominant inheritance. Affected: yes.